The following is an entry in ClinVar:

NM_000465.4(BARD1):c.808G>T (p.Glu270Ter)

Gene: BARD1 (BRCA1 associated RING domain 1; minus strand). Cytogenetic location: 2q35.
Variant type: single nucleotide variant.
Coding change: c.808G>T on transcript NM_000465.4 (MANE Select); coding-DNA position 808, G replaced by T.
Protein change: p.Glu270Ter; replaces glutamic acid 270 with a stop codon.
Molecular consequence: nonsense. On other transcripts: non-coding transcript variant (2), intron variant (3).
Genome position (GRCh38, 1-based): chr2:214,781,066, C>A on the plus strand (G>T on the coding strand, the complement: BARD1 is on the minus strand). VCF-style: chr2-214781066-C-A. GRCh37 (hg19) VCF-style: chr2-215645790-C-A.
Other names: c.751G>T, p.Glu251Ter (NM_001282543.2); c.158+28346G>T (NM_001282548.2); c.215+15995G>T (NM_001282545.2); c.364+11231G>T (NM_001282549.2); short protein forms E270*, E251*.
Identifiers: ClinVar variation 481415 (VCV000481415.16), dbSNP rs1060501288, ClinGen allele CA350455564.

ClinVar aggregate classification (germline): Pathogenic. Review status: criteria provided, multiple submitters, no conflicts (2 of 4 stars). 4 submissions from 4 submitters: Pathogenic (4). Last evaluated 2025-07-25.

Conditions:
Hereditary cancer-predisposing syndrome. Also called: Hereditary Cancer Syndrome; Neoplastic Syndromes, Hereditary; Tumor predisposition; Hereditary neoplastic syndrome. Identifiers: Orphanet 140162, MedGen C0027672, MeSH D009386, MONDO:0015356.
Familial cancer of breast. Also called: BREAST CANCER, FAMILIAL; Hereditary breast cancer; hereditary breast carcinoma. Identifiers: Orphanet 227535, MedGen C0346153, MONDO:0016419, OMIM 114480. Disease mechanism: loss of function.

Submissions (4):

Labcorp Genetics (formerly Invitae), Labcorp
Classification: Pathogenic for Familial cancer of breast. Last evaluated: 2025-07-25. Review status: criteria provided, single submitter. Criteria: Invitae Variant Classification Sherloc (09022015). Collection method: clinical testing. Allele origin: germline.
Comment: This sequence change creates a premature translational stop signal (p.Glu270*) in the BARD1 gene. It is expected to result in an absent or disrupted protein product. Loss-of-function variants in BARD1 are known to be pathogenic (PMID: 20077502, 21344236). This variant is not present in population databases (gnomAD no frequency). This premature translational stop signal has been observed in individual(s) with breast cancer (PMID: 28724667). ClinVar contains an entry for this variant (Variation ID: 481415). For these reasons, this variant has been classified as Pathogenic.

Myriad Genetics, Inc.
Classification: Pathogenic for Familial cancer of breast. Last evaluated: 2024-01-23. Review status: criteria provided, single submitter. Criteria: Myriad Autosomal Dominant, Autosomal Recessive and X-Linked Classification Criteria (2023). Collection method: clinical testing. Allele origin: unknown.
Comment: This variant is considered pathogenic. This variant creates a termination codon and is predicted to result in premature protein truncation.

Baylor Genetics
Classification: Pathogenic for Familial cancer of breast. Last evaluated: 2022-07-19. Review status: criteria provided, single submitter. Criteria: ACMG Guidelines, 2015. Collection method: clinical testing. Allele origin: unknown.

Ambry Genetics
Classification: Pathogenic for Hereditary cancer-predisposing syndrome. Last evaluated: 2021-09-16. Review status: criteria provided, single submitter. Criteria: Ambry Variant Classification Scheme 2023. Collection method: clinical testing. Allele origin: germline.
Comment: The p.E270* pathogenic mutation (also known as c.808G>T), located in coding exon 4 of the BARD1 gene, results from a G to T substitution at nucleotide position 808. This changes the amino acid from a glutamic acid to a stop codon within coding exon 4. This alteration was detected in a cohort of 8085 consecutive unselected Chinese breast cancer patients who underwent multi-gene panel testing (Sun J et al. Clin Cancer Res, 2017 Oct;23:6113-6119). This variant is considered to be rare based on population cohorts in the Genome Aggregation Database (gnomAD). In addition to the clinical data presented in the literature, this alteration is expected to result in loss of function by premature protein truncation or nonsense-mediated mRNA decay. As such, this alteration is interpreted as a disease-causing mutation.

Literature cited by the submitters: PubMed 20077502 (cited by Labcorp Genetics (formerly Invitae), Labcorp); PubMed 21344236 (cited by Labcorp Genetics (formerly Invitae), Labcorp); PubMed 28724667 (cited by Labcorp Genetics (formerly Invitae), Labcorp and Ambry Genetics).